The following is an entry in ClinVar:

NM_006947.4(SRP72):c.209C>G (p.Thr70Ser)

Gene: SRP72 (signal recognition particle 72; plus strand). Cytogenetic location: 4q12.
Variant type: single nucleotide variant.
Coding change: c.209C>G on transcript NM_006947.4 (MANE Select); coding-DNA position 209, C replaced by G.
Protein change: p.Thr70Ser; replaces threonine 70 with serine.
Molecular consequence: missense variant. On other transcripts: non-coding transcript variant (1).
Genome position (GRCh38, 1-based): chr4:56,469,752, C>G. VCF-style: chr4-56469752-C-G. GRCh37 (hg19) VCF-style: chr4-57335918-C-G.
Other names: c.209C>G, p.Thr70Ser (NM_001267722.2); short protein forms T70S.
Identifiers: ClinVar variation 5030233 (VCV005030233.1).

ClinVar aggregate classification (germline): Uncertain significance (1 of 4 stars; one submission).

gnomAD v4.1: 1 of 1,610,622 alleles (0.000062%); highest among the groups gnomAD compares: Non-Finnish European, 0.000085%; no homozygotes.

Submission:

Ambry Genetics
Classification: Uncertain significance. Last evaluated: 2026-07-13. Review status: criteria provided, single submitter. Criteria: Ambry Variant Classification Scheme 2023. Collection method: clinical testing. Allele origin: germline.
Comment: The p.T70S variant (also known as c.209C>G), located in coding exon 2 of the SRP72 gene, results from a C to G substitution at nucleotide position 209. The threonine at codon 70 is replaced by serine, an amino acid with similar properties. This amino acid position is conserved. In addition, this alteration is predicted to be tolerated by in silico analysis. Based on the available evidence, the clinical significance of this variant remains unclear.